The following is an entry in ClinVar:

ClinVar aggregate classification (germline): Uncertain significance (1 of 4 stars; one submission).

Conditions:
Fanconi anemia (FA). Also called: Fanconi's anemia. Identifiers: Orphanet 84, MedGen C0015625, MeSH D005199, MONDO:0019391.

gnomAD v4.1: 15 of 1,614,042 alleles (0.00093%); highest among the groups gnomAD compares: Non-Finnish European, 0.0012%; no homozygotes.

Submission:

Labcorp Genetics (formerly Invitae), Labcorp
Classification: Uncertain significance for Fanconi anemia. Last evaluated: 2024-04-06. Review status: criteria provided, single submitter. Criteria: Invitae Variant Classification Sherloc (09022015). Collection method: clinical testing. Allele origin: germline.
Comment: This sequence change replaces arginine, which is basic and polar, with serine, which is neutral and polar, at codon 525 of the SLX4 protein (p.Arg525Ser). This variant is present in population databases (rs143831403, gnomAD 0.002%). This missense change has been observed in individual(s) with clinical features of Fanconi anemia (PMID: 24763404). An algorithm developed to predict the effect of missense changes on protein structure and function (PolyPhen-2) suggests that this variant is likely to be tolerated. In summary, the available evidence is currently insufficient to determine the role of this variant in disease. Therefore, it has been classified as a Variant of Uncertain Significance.

Literature cited by the submitters: PubMed 24763404.

NM_032444.4(SLX4):c.1573C>A (p.Arg525Ser)

Gene: SLX4 (SLX4 structure-specific endonuclease subunit; minus strand). Cytogenetic location: 16p13.3.
Variant type: single nucleotide variant.
Coding change: c.1573C>A on transcript NM_032444.4 (MANE Select); coding-DNA position 1573, C replaced by A.
Protein change: p.Arg525Ser; replaces arginine 525 with serine.
Molecular consequence: missense variant.
Genome position (GRCh38, 1-based): chr16:3,597,489, G>T on the plus strand (C>A on the coding strand, the complement: SLX4 is on the minus strand). VCF-style: chr16-3597489-G-T. GRCh37 (hg19) VCF-style: chr16-3647490-G-T.
Other names: short protein forms R525S.
Identifiers: ClinVar variation 3709247 (VCV003709247.2).